The following is an entry in ClinVar:

ClinVar aggregate classification (germline): Pathogenic (1 of 4 stars; one submission).

Conditions:
Hereditary cancer-predisposing syndrome. Also called: Hereditary Cancer Syndrome; Hereditary neoplastic syndrome; Neoplastic Syndromes, Hereditary; Tumor predisposition. Identifiers: Orphanet 140162, MedGen C0027672, MeSH D009386, MONDO:0015356.

Submission:

Ambry Genetics
Classification: Pathogenic for Hereditary cancer-predisposing syndrome. Last evaluated: 2016-07-01. Review status: criteria provided, single submitter. Criteria: Ambry Variant Classification Scheme 2023. Collection method: clinical testing. Allele origin: germline.
Comment: The c.4375dupA pathogenic mutation, located in coding exon 15 of the APC gene, results from a duplication of A at nucleotide position 4375, causing a translational frameshift with a predicted alternate stop codon. This alteration is expected to result in loss of function by premature protein truncation or nonsense-mediated mRNA decay. As such, this alteration is interpreted as a disease-causing mutation.

NM_000038.6(APC):c.4375dup (p.Thr1459fs)

Gene: APC (APC regulator of Wnt signaling pathway; plus strand). Cytogenetic location: 5q22.2.
Variant type: Duplication.
Coding change: c.4375dup on transcript NM_000038.6 (MANE Select); coding-DNA position 4375, one base duplicated (A; older notation c.4375dupA).
Protein change: p.Thr1459fs; shifts the reading frame from threonine 1459.
Molecular consequence: frameshift variant.
Genome position (GRCh38, 1-based): chr5:112,839,969, A duplicated. VCF-style (leftmost placement, unchanged base first): chr5-112839968-T-TA. GRCh37 (hg19) VCF-style: chr5-112175665-T-TA.
Other names: c.4375dup, p.Thr1459fs (NM_001127510.3, NM_001354895.2); c.4321dup, p.Thr1441fs (NM_001127511.3); c.4429dup, p.Thr1477fs (NM_001354896.2); c.4405dup, p.Thr1469fs (NM_001354897.2); c.4300dup, p.Thr1434fs (NM_001354898.2); c.4291dup, p.Thr1431fs (NM_001354899.2); c.4252dup, p.Thr1418fs (NM_001354900.2); c.4198dup, p.Thr1400fs (NM_001354901.2); and 16 more; short protein forms T1358fs, T1400fs, T1418fs, T1459fs, T1477fs, T1176fs, T1299fs, T1431fs.
Identifiers: ClinVar variation 1740114 (VCV001740114.2), dbSNP rs2533570172, ClinGen allele CA445964530.
Genomic context (GRCh38, chr5:112,839,968, plus strand): 5'-ACCTCCACCACCTCCTCAAACAGCTCAAACCAAGCGAGAAGTACCTAAAAATAAAGCACC[T>TA]ACTGCTGAAAAGAGAGAGAGTGGACCTAAGCAAGCTGCAGTAAATGCTGCAGTTCAGAGG-3'